The following is an entry in ClinVar:

ClinVar aggregate classification (germline): Uncertain significance (1 of 4 stars; one submission).

Submission:

Labcorp Genetics (formerly Invitae), Labcorp
Classification: Uncertain significance. Last evaluated: 2024-04-10. Review status: criteria provided, single submitter. Criteria: Invitae Variant Classification Sherloc (09022015). Collection method: clinical testing. Allele origin: germline.
Comment: This sequence change replaces alanine, which is neutral and non-polar, with valine, which is neutral and non-polar, at codon 141 of the PDYN protein (p.Ala141Val). This variant is not present in population databases (gnomAD no frequency). This variant has not been reported in the literature in individuals affected with PDYN-related conditions. ClinVar contains an entry for this variant (Variation ID: 2046393). Advanced modeling of protein sequence and biophysical properties (such as structural, functional, and spatial information, amino acid conservation, physicochemical variation, residue mobility, and thermodynamic stability) performed at Invitae indicates that this missense variant is not expected to disrupt PDYN protein function with a negative predictive value of 80%. In summary, the available evidence is currently insufficient to determine the role of this variant in disease. Therefore, it has been classified as a Variant of Uncertain Significance.

NM_024411.5(PDYN):c.422C>T (p.Ala141Val)

Genes: PDYN (prodynorphin; minus strand), PDYN-AS1 (PDYN antisense RNA 1; plus strand). Cytogenetic location: 20p13.
Variant type: single nucleotide variant.
Coding change: c.422C>T on transcript NM_024411.5 (MANE Select); coding-DNA position 422, C replaced by T.
Protein change: p.Ala141Val; replaces alanine 141 with valine.
Molecular consequence: missense variant.
Genome position (GRCh38, 1-based): chr20:1,980,666, G>A on the plus strand (C>T on the coding strand, the complement: PDYN is on the minus strand). VCF-style: chr20-1980666-G-A. GRCh37 (hg19) VCF-style: chr20-1961312-G-A.
Other names: c.422C>T, p.Ala141Val (NM_001190892.1, NM_001190898.3, NM_001190899.2 and 1 more transcripts); short protein forms A141V.
Identifiers: ClinVar variation 2046393 (VCV002046393.4), dbSNP rs2514336805, ClinGen allele CA408003179.